The following is an entry in ClinVar:

ClinVar aggregate classification (germline): Likely benign. Review status: criteria provided, single submitter (1 of 4 stars). 2 submissions from 2 submitters: Likely benign (1). 1 of the submissions does not count toward it. Last evaluated 2017-05-25.

Conditions:
Cardiovascular phenotype. Identifiers: MedGen CN230736.
JPH2-related disorder. Also called: JPH2-related condition.

Allele frequency attached by ClinVar (database versions not stated): gnomAD exomes 0.00001; TOPMed 0.00002; gnomAD 0.00001.
gnomAD v4.1: 5 of 1,613,286 alleles (0.00031%); highest among the groups gnomAD compares: Admixed American, 0.0083%; no homozygotes.

Submissions (2):

Ambry Genetics
Classification: Likely benign for Cardiovascular phenotype. Last evaluated: 2017-05-25. Review status: criteria provided, single submitter. Criteria: Ambry Variant Classification Scheme 2023. Collection method: clinical testing. Allele origin: germline.

PreventionGenetics, part of Exact Sciences
Classification: Likely benign for JPH2-related condition. Last evaluated: 2021-02-09. Review status: no assertion criteria provided. Collection method: clinical testing. Allele origin: germline. Not counted in ClinVar's aggregate classification.
Comment: This variant is classified as likely benign based on ACMG/AMP sequence variant interpretation guidelines (Richards et al. 2015 PMID: 25741868, with internal and published modifications).

NM_020433.5(JPH2):c.1932G>A (p.Gly644=)

Gene: JPH2 (junctophilin 2; minus strand). Cytogenetic location: 20q13.12.
Variant type: single nucleotide variant.
Coding change: c.1932G>A on transcript NM_020433.5 (MANE Select); coding-DNA position 1932, G replaced by A.
Protein change: p.Gly644=; no amino-acid change (glycine 644 retained).
Molecular consequence: synonymous variant.
Genome position (GRCh38, 1-based): chr20:44,115,743, C>T on the plus strand (G>A on the coding strand, the complement: JPH2 is on the minus strand). VCF-style: chr20-44115743-C-T. GRCh37 (hg19) VCF-style: chr20-42744383-C-T.
Identifiers: ClinVar variation 518854 (VCV000518854.7), dbSNP rs1037983273, ClinGen allele CA314642387.